The following is an entry in ClinVar:

ClinVar aggregate classification (germline): Uncertain significance. Review status: criteria provided, single submitter (1 of 4 stars). 2 submissions from 2 submitters: Uncertain significance (1). 1 of the submissions does not count toward it. Last evaluated 2024-08-02.

Allele frequency attached by ClinVar (database versions not stated): gnomAD 0.00001; TOPMed 0.00001; ExAC 0.00003; gnomAD exomes 0.00003.
gnomAD v4.1: 13 of 1,609,072 alleles (0.00081%); highest among the groups gnomAD compares: Admixed American, 0.005%; no homozygotes.

Submissions (2):

GeneDx
Classification: Uncertain significance. Last evaluated: 2024-08-02. Review status: criteria provided, single submitter. Criteria: GeneDx Variant Classification Process June 2021. Collection method: clinical testing. Allele origin: germline. Affected: yes.
Comment: Not observed at significant frequency in large population cohorts (gnomAD); In silico analysis supports that this missense variant has a deleterious effect on protein structure/function; Has not been previously published as pathogenic or benign to our knowledge

Laboratory for Molecular Psychiatry, RIKEN
No classification provided. Review status: no classification provided. Collection method: not provided. Allele origin: not provided. Not counted in ClinVar's aggregate classification.

NM_005094.4(SLC27A4):c.523C>T (p.Arg175Trp)

Gene: SLC27A4 (solute carrier family 27 member 4; plus strand). Cytogenetic location: 9q34.11.
Variant type: single nucleotide variant.
Coding change: c.523C>T on transcript NM_005094.4 (MANE Select); coding-DNA position 523, C replaced by T.
Protein change: p.Arg175Trp; replaces arginine 175 with tryptophan.
Molecular consequence: missense variant.
Genome position (GRCh38, 1-based): chr9:128,345,516, C>T. VCF-style: chr9-128345516-C-T. GRCh37 (hg19) VCF-style: chr9-131107795-C-T.
Other names: short protein forms R175W.
Identifiers: ClinVar variation 156262 (VCV000156262.3), dbSNP rs587776379, ClinGen allele CA235578.